The following is an entry in ClinVar:

NM_001723.7(DST):c.4741A>G (p.Arg1581Gly)

Gene: DST (dystonin; minus strand). Cytogenetic location: 6p12.1.
Variant type: single nucleotide variant.
Coding change: c.4741A>G on transcript NM_001723.7 (MANE Plus Clinical); coding-DNA position 4741, A replaced by G.
Protein change: p.Arg1581Gly; replaces arginine 1581 with glycine.
Molecular consequence: missense variant. On other transcripts: intron variant (10).
Genome position (GRCh38, 1-based): chr6:56,619,293, T>C on the plus strand (A>G on the coding strand, the complement: DST is on the minus strand). VCF-style: chr6-56619293-T-C. GRCh37 (hg19) VCF-style: chr6-56484091-T-C.
Other names: c.4831-4809A>G (NM_001144769.5); c.4930-4809A>G (NM_001374722.1, NM_001374736.1); c.4957-4809A>G (NM_001374734.1); c.4417-4809A>G (NM_001144770.2); c.4297-4809A>G (NM_001374730.1, NM_001386100.1, NM_183380.4 and 1 more transcripts); c.3319-4809A>G (NM_015548.5); short protein forms R1581G.
Identifiers: ClinVar variation 1383165 (VCV001383165.4), dbSNP rs768938960, ClinGen allele CA3870484.

ClinVar aggregate classification (germline): Uncertain significance (1 of 4 stars; one submission).

Conditions:
Hereditary sensory and autonomic neuropathy type 6. Also called: HSAN VI; Neuropathy, hereditary sensory and autonomic, type VI. Identifiers: Orphanet 314381, MedGen C3539003, MONDO:0013839, OMIM 614653.
Epidermolysis bullosa simplex 3, localized or generalized intermediate, with BP230 deficiency (EBS3). Also called: Epidermolysis bullosa simplex, autosomal recessive 2; Epidermolysis bullosa simplex due to BP230 deficiency. Identifiers: Orphanet 412181, MedGen C3809470, MONDO:0014180, OMIM 615425.

Allele frequency attached by ClinVar (database versions not stated): gnomAD exomes below 0.00001; ExAC 0.00001; gnomAD 0.00001; TOPMed 0.00003.
gnomAD v4.1: 3 of 1,612,394 alleles (0.00019%); highest among the groups gnomAD compares: African/African-American, 0.0027%; no homozygotes.

Submission:

Labcorp Genetics (formerly Invitae), Labcorp
Classification: Uncertain significance for Epidermolysis bullosa simplex 3, localized or generalized intermediate, with BP230 deficiency; Hereditary sensory and autonomic neuropathy type 6. Last evaluated: 2022-08-31. Review status: criteria provided, single submitter. Criteria: Invitae Variant Classification Sherloc (09022015). Collection method: clinical testing. Allele origin: germline.
Comment: In summary, the available evidence is currently insufficient to determine the role of this variant in disease. Therefore, it has been classified as a Variant of Uncertain Significance. Algorithms developed to predict the effect of missense changes on protein structure and function are either unavailable or do not agree on the potential impact of this missense change (SIFT: "Tolerated"; PolyPhen-2: "Possibly Damaging"; Align-GVGD: "Class C0"). ClinVar contains an entry for this variant (Variation ID: 1383165). This variant has not been reported in the literature in individuals affected with DST-related conditions. This variant is present in population databases (rs768938960, gnomAD 0.007%). This sequence change replaces arginine, which is basic and polar, with glycine, which is neutral and non-polar, at codon 1581 of the DST protein (p.Arg1581Gly).